The following is an entry in ClinVar:

NM_000268.4(NF2):c.820A>G (p.Lys274Glu)

Gene: NF2 (NF2, moesin-ezrin-radixin like (MERLIN) tumor suppressor; plus strand). Cytogenetic location: 22q12.2.
Variant type: single nucleotide variant.
Coding change: c.820A>G on transcript NM_000268.4 (MANE Select); coding-DNA position 820, A replaced by G.
Protein change: p.Lys274Glu; replaces lysine 274 with glutamic acid.
Molecular consequence: missense variant. On other transcripts: non-coding transcript variant (1), intron variant (1).
Genome position (GRCh38, 1-based): chr22:29,664,999, A>G. VCF-style: chr22-29664999-A-G. GRCh37 (hg19) VCF-style: chr22-30060988-A-G.
Other names: c.820A>G, p.Lys274Glu (NM_016418.5, NM_181825.3, NM_181832.3); c.694A>G, p.Lys232Glu (NM_181828.3); c.697A>G, p.Lys233Glu (NM_181829.3); c.571A>G, p.Lys191Glu (NM_181830.3, NM_181831.3); c.447+22714A>G (NM_181833.3); short protein forms K191E, K233E, K274E, K232E.
Identifiers: ClinVar variation 935647 (VCV000935647.11), dbSNP rs2066578758, ClinGen allele CA411144544.

ClinVar aggregate classification (germline): Uncertain significance. Review status: criteria provided, multiple submitters, no conflicts (2 of 4 stars). 2 submissions from 2 submitters: Uncertain significance (2). Last evaluated 2026-03-16.

Conditions:
Hereditary cancer-predisposing syndrome. Also called: Hereditary Cancer Syndrome; Neoplastic Syndromes, Hereditary; Tumor predisposition; Hereditary neoplastic syndrome. Identifiers: Orphanet 140162, MedGen C0027672, MeSH D009386, MONDO:0015356.
Neurofibromatosis, type 2 (SWNV). Also called: SCHWANNOMATOSIS, VESTIBULAR; BILATERAL ACOUSTIC NEUROFIBROMATOSIS; NF2-Related Schwannomatosis. Identifiers: Orphanet 637, MedGen C0027832, MONDO:0007039, OMIM 101000. Disease mechanism: loss of function.

Submissions (2):

Ambry Genetics
Classification: Uncertain significance for Hereditary cancer-predisposing syndrome. Last evaluated: 2026-03-16. Review status: criteria provided, single submitter. Criteria: Ambry Variant Classification Scheme 2023. Collection method: clinical testing. Allele origin: germline.
Comment: The p.K274E variant (also known as c.820A>G), located in coding exon 9 of the NF2 gene, results from an A to G substitution at nucleotide position 820. The lysine at codon 274 is replaced by glutamic acid, an amino acid with similar properties. This amino acid position is highly conserved in available vertebrate species. In addition, this alteration is predicted to be deleterious by in silico analysis. Based on the available evidence, the clinical significance of this variant remains unclear.

Labcorp Genetics (formerly Invitae), Labcorp
Classification: Uncertain significance for Neurofibromatosis, type 2. Last evaluated: 2019-10-15. Review status: criteria provided, single submitter. Criteria: Invitae Variant Classification Sherloc (09022015). Collection method: clinical testing. Allele origin: germline.
Comment: In summary, the available evidence is currently insufficient to determine the role of this variant in disease. Therefore, it has been classified as a Variant of Uncertain Significance. Algorithms developed to predict the effect of missense changes on protein structure and function are either unavailable or do not agree on the potential impact of this missense change (SIFT: "Deleterious"; PolyPhen-2: "Probably Damaging"; Align-GVGD: "Class C0"). This variant has not been reported in the literature in individuals with NF2-related conditions. This variant is not present in population databases (ExAC no frequency). This sequence change replaces lysine with glutamic acid at codon 274 of the NF2 protein (p.Lys274Glu). The lysine residue is highly conserved and there is a small physicochemical difference between lysine and glutamic acid.